The following is an entry in ClinVar:

NM_003322.6(TULP1):c.629C>G (p.Ser210Ter)

Gene: TULP1 (TUB like protein 1; minus strand). Cytogenetic location: 6p21.31.
Variant type: single nucleotide variant.
Coding change: c.629C>G on transcript NM_003322.6 (MANE Select); coding-DNA position 629, C replaced by G.
Protein change: p.Ser210Ter; replaces serine 210 with a stop codon.
Molecular consequence: nonsense.
Genome position (GRCh38, 1-based): chr6:35,509,723, G>C on the plus strand (C>G on the coding strand, the complement: TULP1 is on the minus strand). VCF-style: chr6-35509723-G-C. GRCh37 (hg19) VCF-style: chr6-35477500-G-C.
Other names: c.470C>G, p.Ser157Ter (NM_001289395.2); short protein forms S157*, S210*.
Identifiers: ClinVar variation 872549 (VCV000872549.47), dbSNP rs1761158425, ClinGen allele CA363782678.
Genomic context (GRCh38, chr6:35,509,723, plus strand): 5'-CTGCCTTCCCCAACCAGAAACATGGCTGCTGGGCTCTTCCTCGCACTGGCTGGGCTCCCT[G>C]AGGGGTCCTTGTCGGCCTCCCCAGACCCTGCATGTGTGGATGTGAAAGCGTCACAACCCC-3'

ClinVar aggregate classification (germline): Pathogenic. Review status: criteria provided, multiple submitters, no conflicts (2 of 4 stars). 5 submissions from 5 submitters: Pathogenic (5). Last evaluated 2025-06-30.

Conditions:
Retinitis pigmentosa 14 (RP14). Also called: RETINITIS PIGMENTOSA, JUVENILE, TULP1-RELATED. Identifiers: Orphanet 791, MedGen C1838603, MONDO:0010827, OMIM 600132.
Leber congenital amaurosis 15 (LCA15). Identifiers: Orphanet 65, MedGen C3151206, MONDO:0013457, OMIM 613843.
TULP1-related disorder. Also called: TULP1-related disorders; TULP1-related condition.

Submissions (5):

Institute of Medical Genetics and Applied Genomics, University Hospital Tübingen
Classification: Pathogenic for Retinitis pigmentosa 14. Last evaluated: 2025-06-30. Review status: criteria provided, single submitter. Criteria: ACMG Guidelines, 2015. Collection method: clinical testing. Allele origin: germline. Inheritance: Autosomal recessive inheritance. Affected: yes.

Blueprint Genetics
Classification: Pathogenic for TULP1-related disorders. Last evaluated: 2024-10-02. Review status: criteria provided, single submitter. Criteria: ACMG Guidelines, 2015. Collection method: clinical testing. Allele origin: germline. Affected: yes. Observed: 5 variant alleles.

Labcorp Genetics (formerly Invitae), Labcorp
Classification: Pathogenic. Last evaluated: 2024-07-16. Review status: criteria provided, single submitter. Criteria: Invitae Variant Classification Sherloc (09022015). Collection method: clinical testing. Allele origin: germline.
Comment: This sequence change creates a premature translational stop signal (p.Ser210*) in the TULP1 gene. It is expected to result in an absent or disrupted protein product. Loss-of-function variants in TULP1 are known to be pathogenic (PMID: 8606774, 10549638, 15024725, 18055821). This variant is not present in population databases (gnomAD no frequency). This premature translational stop signal has been observed in individual(s) with retinitis pigmentosa (PMID: 23591405). ClinVar contains an entry for this variant (Variation ID: 872549). For these reasons, this variant has been classified as Pathogenic.

Fulgent Genetics
Classification: Pathogenic for Retinitis pigmentosa 14; Leber congenital amaurosis 15. Last evaluated: 2024-04-17. Review status: criteria provided, single submitter. Criteria: ACMG Guidelines, 2015. Collection method: clinical testing. Allele origin: germline.

CeGaT Center for Human Genetics Tuebingen
Classification: Pathogenic. Last evaluated: 2019-11-01. Review status: criteria provided, single submitter. Criteria: CeGaT Center For Human Genetics Tuebingen Variant Classification Criteria Version 2. Collection method: clinical testing. Allele origin: germline. Affected: yes. Observed: 1 variant allele.

Literature cited by the submitters: PubMed 8606774 (cited by Labcorp Genetics (formerly Invitae), Labcorp); PubMed 10549638 (cited by Labcorp Genetics (formerly Invitae), Labcorp); PubMed 15024725 (cited by Labcorp Genetics (formerly Invitae), Labcorp); PubMed 18055821 (cited by Labcorp Genetics (formerly Invitae), Labcorp); PubMed 23591405 (cited by Labcorp Genetics (formerly Invitae), Labcorp).